The following is an entry in ClinVar:

NM_004168.4(SDHA):c.560A>G (p.His187Arg)

Gene: SDHA (succinate dehydrogenase complex flavoprotein subunit A; plus strand). Cytogenetic location: 5p15.33.
Variant type: single nucleotide variant.
Coding change: c.560A>G on transcript NM_004168.4 (MANE Select); coding-DNA position 560, A replaced by G.
Protein change: p.His187Arg; replaces histidine 187 with arginine.
Molecular consequence: missense variant.
Genome position (GRCh38, 1-based): chr5:225,986, A>G. VCF-style: chr5-225986-A-G. GRCh37 (hg19) VCF-style: chr5-226101-A-G.
Other names: c.416A>G, p.His139Arg (NM_001294332.2); c.560A>G, p.His187Arg (NM_001330758.2); c.560A>G (NM_004168.2); short protein forms H139R, H187R.
Identifiers: ClinVar variation 1006067 (VCV001006067.10), dbSNP rs1236616384, ClinGen allele CA359010412.
Genomic context (GRCh38, chr5:225,986, plus strand): 5'-AGATTTATCAGCGTGCATTTGGTGGACAGAGCCTCAAGTTTGGAAAGGGCGGGCAGGCCC[A>G]TCGGTGCTGCTGTGTGGCTGATCGGACTGGCCACTCGCTATTGCACACCTTATATGGAAG-3'
Protein context (NP_004159.2, residues 177-197): SLKFGKGGQA[His187Arg]RCCCVADRTG

ClinVar aggregate classification (germline): Uncertain significance. Review status: criteria provided, multiple submitters, no conflicts (2 of 4 stars). 2 submissions from 2 submitters: Uncertain significance (2). Last evaluated 2026-01-05.

Conditions:
Mitochondrial complex II deficiency, nuclear type 1. Also called: SUCCINATE CoQ REDUCTASE DEFICIENCY. Identifiers: Orphanet 3208, MedGen C5700310, MONDO:0100294, OMIM 252011.
Pheochromocytoma/paraganglioma syndrome 5. Also called: Paragangliomas 5; SDHA-Related Hereditary Paraganglioma-Pheochromocytoma Syndrome. Identifiers: Orphanet 29072, MedGen C3279992, MONDO:0013602, OMIM 614165.
Hereditary cancer-predisposing syndrome. Also called: Tumor predisposition; Hereditary neoplastic syndrome; Neoplastic Syndromes, Hereditary; Hereditary Cancer Syndrome. Identifiers: Orphanet 140162, MedGen C0027672, MeSH D009386, MONDO:0015356.

Allele frequency attached by ClinVar (database versions not stated): gnomAD exomes below 0.00001; gnomAD 0.00001; TOPMed 0.00001.
gnomAD v4.1: 16 of 1,614,068 alleles (0.00099%); highest among the groups gnomAD compares: African/African-American, 0.0027%; no homozygotes.

Submissions (2):

Labcorp Genetics (formerly Invitae), Labcorp
Classification: Uncertain significance for Pheochromocytoma/paraganglioma syndrome 5; Mitochondrial complex II deficiency, nuclear type 1. Last evaluated: 2026-01-05. Review status: criteria provided, single submitter. Criteria: Invitae Variant Classification Sherloc (09022015). Collection method: clinical testing. Allele origin: germline.
Comment: This sequence change replaces histidine, which is basic and polar, with arginine, which is basic and polar, at codon 187 of the SDHA protein (p.His187Arg). This variant is not present in population databases (gnomAD no frequency). This variant has not been reported in the literature in individuals affected with SDHA-related conditions. ClinVar contains an entry for this variant (Variation ID: 1006067). Invitae Evidence Modeling of protein sequence and biophysical properties (such as structural, functional, and spatial information, amino acid conservation, physicochemical variation, residue mobility, and thermodynamic stability) indicates that this missense variant is not expected to disrupt SDHA protein function with a negative predictive value of 95%. In summary, the available evidence is currently insufficient to determine the role of this variant in disease. Therefore, it has been classified as a Variant of Uncertain Significance.

Ambry Genetics
Classification: Uncertain significance for Hereditary cancer-predisposing syndrome. Last evaluated: 2025-08-28. Review status: criteria provided, single submitter. Criteria: Ambry Variant Classification Scheme 2023. Collection method: clinical testing. Allele origin: germline.
Comment: The p.H187R variant (also known as c.560A>G), located in coding exon 5 of the SDHA gene, results from an A to G substitution at nucleotide position 560. The histidine at codon 187 is replaced by arginine, an amino acid with highly similar properties. This amino acid position is highly conserved in available vertebrate species. In addition, this alteration is predicted to be deleterious by in silico analysis. Based on the available evidence, the clinical significance of this variant remains unclear.